The following is an entry in ClinVar:

NM_000944.5(PPP3CA):c.142G>T (p.Ala48Ser)

Gene: PPP3CA (protein phosphatase 3 catalytic subunit alpha; minus strand). Cytogenetic location: 4q24.
Variant type: single nucleotide variant.
Coding change: c.142G>T on transcript NM_000944.5 (MANE Select); coding-DNA position 142, G replaced by T.
Protein change: p.Ala48Ser; replaces alanine 48 with serine.
Molecular consequence: missense variant.
Genome position (GRCh38, 1-based): chr4:101,196,033, C>A on the plus strand (G>T on the coding strand, the complement: PPP3CA is on the minus strand). VCF-style: chr4-101196033-C-A. GRCh37 (hg19) VCF-style: chr4-102117190-C-A.
Other names: c.142G>T, p.Ala48Ser (NM_001130691.2, NM_001130692.2); short protein forms A48S.
Identifiers: ClinVar variation 2073751 (VCV002073751.4), dbSNP rs1411992353, ClinGen allele CA357950969.

ClinVar aggregate classification (germline): Uncertain significance (1 of 4 stars; one submission).

Allele frequency attached by ClinVar (database versions not stated): gnomAD 0.00001; TOPMed 0.00001.
gnomAD v4.1: 5 of 1,613,866 alleles (0.00031%); highest among the groups gnomAD compares: African/African-American, 0.0027%; no homozygotes.

Submission:

Labcorp Genetics (formerly Invitae), Labcorp
Classification: Uncertain significance. Last evaluated: 2022-03-15. Review status: criteria provided, single submitter. Criteria: Invitae Variant Classification Sherloc (09022015). Collection method: clinical testing. Allele origin: germline.
Comment: This sequence change replaces alanine, which is neutral and non-polar, with serine, which is neutral and polar, at codon 48 of the PPP3CA protein (p.Ala48Ser). This variant is present in population databases (no rsID available, gnomAD no frequency). This variant has not been reported in the literature in individuals affected with PPP3CA-related conditions. Algorithms developed to predict the effect of missense changes on protein structure and function (SIFT, PolyPhen-2, Align-GVGD) all suggest that this variant is likely to be tolerated. In summary, the available evidence is currently insufficient to determine the role of this variant in disease. Therefore, it has been classified as a Variant of Uncertain Significance.